The following is an entry in ClinVar:

ClinVar aggregate classification (germline): Conflicting classifications of pathogenicity. Review status: criteria provided, conflicting classifications (1 of 4 stars). 6 submissions from 6 submitters: Uncertain significance (2); Likely benign (3). 1 of the submissions does not count toward it. Last evaluated 2024-08-21.

Conditions:
Hereditary cancer-predisposing syndrome. Also called: Neoplastic Syndromes, Hereditary; Tumor predisposition; Hereditary neoplastic syndrome; Hereditary Cancer Syndrome. Identifiers: Orphanet 140162, MedGen C0027672, MeSH D009386, MONDO:0015356.
Hereditary breast ovarian cancer syndrome. Also called: Hereditary breast and ovarian cancer syndrome; Hereditary breast and ovarian cancer; Hereditary breast and ovarian cancer syndrome (HBOC); Breast and ovarian cancer; Hereditary breast and/or ovarian cancer syndrome; BRCA1- and BRCA2-Associated Hereditary Breast and Ovarian Cancer. Identifiers: Orphanet 145, MedGen C0677776, MeSH D061325, MONDO:0003582. Disease mechanism: loss of function.
Familial cancer of breast. Also called: BREAST CANCER, FAMILIAL; Hereditary breast cancer; hereditary breast carcinoma. Identifiers: Orphanet 227535, MedGen C0346153, MONDO:0016419, OMIM 114480. Disease mechanism: loss of function.
Breast-ovarian cancer, familial, susceptibility to, 2 (BROVCA2). Also called: BRCA2 Hereditary Breast and Ovarian Cancer. Identifiers: Orphanet 145, MedGen C2675520, MONDO:0012933, OMIM 612555. Disease mechanism: loss of function.

Allele frequency attached by ClinVar (database versions not stated): gnomAD exomes below 0.00001; TOPMed below 0.00001; gnomAD 0.00001.
gnomAD v4.1: 2 of 1,613,624 alleles (0.00012%); highest among the groups gnomAD compares: Middle Eastern, 0.016%; no homozygotes.

Submissions (6):

Ambry Genetics
Classification: Uncertain significance for Hereditary cancer-predisposing syndrome. Last evaluated: 2024-08-21. Review status: criteria provided, single submitter. Criteria: Ambry Variant Classification Scheme 2023. Collection method: clinical testing. Allele origin: germline.
Comment: The p.S2414L variant (also known as c.7241C>T), located in coding exon 13 of the BRCA2 gene, results from a C to T substitution at nucleotide position 7241. The serine at codon 2414 is replaced by leucine, an amino acid with dissimilar properties. A homology-directed repair activity assay showed that this alteration has no effect on BRCA2 function (Guidugli L et al. Cancer Res. 2013 Jan 1;73(1):265-75). This amino acid position is not well conserved in available vertebrate species. In addition, the in silico prediction for this alteration is inconclusive. Based on the available evidence, the clinical significance of this variant remains unclear.

Baylor Genetics
Classification: Uncertain significance for Familial cancer of breast. Last evaluated: 2023-11-02. Review status: criteria provided, single submitter. Criteria: ACMG Guidelines, 2015. Collection method: clinical testing. Allele origin: unknown.

All of Us Research Program, National Institutes of Health
Classification: Likely benign for Breast-ovarian cancer, familial, susceptibility to, 2. Last evaluated: 2023-06-08. Review status: criteria provided, single submitter. Criteria: ACMG Guidelines, 2015. Collection method: clinical testing. Allele origin: germline. Inheritance: Autosomal dominant inheritance. Observed: 1 variant allele, 1 heterozygote.
Comment: This study involves interpretation of variants in research participants for the purpose of population health screening. Participant phenotype was not available at the time of variant classification. Additional details can be found in publication PMID: 35346344, PMCID: PMC8962531

Labcorp Genetics (formerly Invitae), Labcorp
Classification: Likely benign for Hereditary breast ovarian cancer syndrome. Last evaluated: 2021-05-17. Review status: criteria provided, single submitter. Criteria: Invitae Variant Classification Sherloc (09022015). Collection method: clinical testing. Allele origin: germline.

Color Diagnostics, LLC DBA Color Health
Classification: Likely benign for Hereditary cancer-predisposing syndrome. Last evaluated: 2015-08-11. Review status: criteria provided, single submitter. Criteria: ACMG Guidelines, 2015. Collection method: clinical testing. Allele origin: germline.

Breast Cancer Information Core (BIC) (BRCA2)
Classification: Uncertain significance for Breast-ovarian cancer, familial 2. Last evaluated: 2003-12-23. Review status: no assertion criteria provided. Collection method: clinical testing. Allele origin: germline. Affected: yes. Observed: 1 variant allele. Not counted in ClinVar's aggregate classification.

NM_000059.4(BRCA2):c.7241C>T (p.Ser2414Leu)

Gene: BRCA2 (BRCA2 DNA repair associated; plus strand). Cytogenetic location: 13q13.1.
Variant type: single nucleotide variant.
Coding change: c.7241C>T on transcript NM_000059.4 (MANE Select); coding-DNA position 7241, C replaced by T.
Protein change: p.Ser2414Leu; replaces serine 2414 with leucine.
Molecular consequence: missense variant.
Genome position (GRCh38, 1-based): chr13:32,355,094, C>T. VCF-style: chr13-32355094-C-T. GRCh37 (hg19) VCF-style: chr13-32929231-C-T.
Other names: short protein forms S2414L.
Identifiers: ClinVar variation 52297 (VCV000052297.22), dbSNP rs80358951, ClinGen allele CA024989.